The following is an entry in ClinVar:

NM_001142800.2(EYS):c.8534A>C (p.Gln2845Pro)

Genes: EYS (eyes shut homolog; minus strand), PHF3 (PHD finger protein 3; plus strand). Cytogenetic location: 6q12.
Variant type: single nucleotide variant.
Coding change: c.8534A>C on transcript NM_001142800.2 (MANE Select); coding-DNA position 8534, A replaced by C.
Protein change: p.Gln2845Pro; replaces glutamine 2845 with proline.
Molecular consequence: missense variant. On other transcripts: 3 prime UTR variant (5).
Genome position (GRCh38, 1-based): chr6:63,721,497, T>G on the plus strand (A>C on the coding strand, the complement: EYS is on the minus strand). VCF-style: chr6-63721497-T-G. GRCh37 (hg19) VCF-style: chr6-64431393-T-G.
Other names: c.*7789T>G (NM_001290259.2, NM_001370348.2, NM_001370349.2 and 2 more transcripts); c.8597A>C, p.Gln2866Pro (NM_001292009.2); short protein forms Q2845P, Q2866P.
Identifiers: ClinVar variation 1390996 (VCV001390996.6), dbSNP rs2149625134, ClinGen allele CA364384550.

ClinVar aggregate classification (germline): Uncertain significance. Review status: criteria provided, multiple submitters, no conflicts (2 of 4 stars). 2 submissions from 2 submitters: Uncertain significance (2). Last evaluated 2024-08-19.

Conditions:
Retinitis pigmentosa 25 (RP25). Identifiers: Orphanet 791, MedGen C1864446, MONDO:0011272, OMIM 602772.

Submissions (2):

3billion
Classification: Uncertain significance for Retinitis pigmentosa 25. Last evaluated: 2024-08-19. Review status: criteria provided, single submitter. Criteria: ACMG Guidelines, 2015. Collection method: clinical testing. Allele origin: germline. Affected: yes.
Comment: The variant is not observed in the gnomAD v4.0.0 dataset. Predicted Consequence/Location: The majority of the known disease-causing variants of this gene are variants expected to result in premature termination of the protein. Damaging effect on gene or gene product predicted by in silico programs is uncertain [REVEL: 0.41 (damaging >=0.6, benign <0.4), 3Cnet: 0.52 (damaging >=0.6, benign <0.15)]. The variant has been reported as of uncertain significance (ClinVar ID: VCV001390996). Therefore, this variant is classified as VUS according to the recommendation of ACMG/AMP guideline.

Labcorp Genetics (formerly Invitae), Labcorp
Classification: Uncertain significance. Last evaluated: 2022-03-10. Review status: criteria provided, single submitter. Criteria: Invitae Variant Classification Sherloc (09022015). Collection method: clinical testing. Allele origin: germline.
Comment: This sequence change replaces glutamine, which is neutral and polar, with proline, which is neutral and non-polar, at codon 2845 of the EYS protein (p.Gln2845Pro). This variant is not present in population databases (gnomAD no frequency). This variant has not been reported in the literature in individuals affected with EYS-related conditions. Algorithms developed to predict the effect of missense changes on protein structure and function are either unavailable or do not agree on the potential impact of this missense change (SIFT: "Tolerated"; PolyPhen-2: "Possibly Damaging"; Align-GVGD: "Class C0"). In summary, the available evidence is currently insufficient to determine the role of this variant in disease. Therefore, it has been classified as a Variant of Uncertain Significance.